The following is an entry in ClinVar:

ClinVar aggregate classification (germline): Uncertain significance (1 of 4 stars; one submission).

Conditions:
Nephrolithiasis/nephrocalcinosis. Identifiers: MedGen CN580796.

Allele frequency attached by ClinVar (database versions not stated): gnomAD exomes below 0.00001.
gnomAD v4.1: 1 of 1,614,126 alleles (0.000062%); highest among the groups gnomAD compares: Non-Finnish European, 0.000085%; no homozygotes.

Submission:

Ambry Genetics
Classification: Uncertain significance for Nephrolithiasis/nephrocalcinosis. Last evaluated: 2023-07-23. Review status: criteria provided, single submitter. Criteria: Ambry Variant Classification Scheme 2023. Collection method: clinical testing. Allele origin: germline.
Comment: The p.D31N variant (also known as c.91G>A), located in coding exon 1 of the CASR gene, results from a G to A substitution at nucleotide position 91. The aspartic acid at codon 31 is replaced by asparagine, an amino acid with highly similar properties. This amino acid position is conserved. In addition, the in silico prediction for this alteration is inconclusive. Since supporting evidence is limited at this time, the clinical significance of this alteration remains unclear.

NM_000388.4(CASR):c.91G>A (p.Asp31Asn)

Gene: CASR (calcium sensing receptor; plus strand). Cytogenetic location: 3q21.1.
Variant type: single nucleotide variant.
Coding change: c.91G>A on transcript NM_000388.4 (MANE Select); coding-DNA position 91, G replaced by A.
Protein change: p.Asp31Asn; replaces aspartic acid 31 with asparagine.
Molecular consequence: missense variant.
Genome position (GRCh38, 1-based): chr3:122,254,280, G>A. VCF-style: chr3-122254280-G-A. GRCh37 (hg19) VCF-style: chr3-121973127-G-A.
Other names: c.91G>A, p.Asp31Asn (NM_001178065.2); short protein forms D31N.
Identifiers: ClinVar variation 3231597 (VCV003231597.1), dbSNP rs2473205382, ClinGen allele CA354362113.